The following is an entry in ClinVar:

ClinVar aggregate classification (germline): Uncertain significance. Review status: criteria provided, multiple submitters, no conflicts (2 of 4 stars). 2 submissions from 2 submitters: Uncertain significance (2). Last evaluated 2025-07-30.

Conditions:
Hereditary cancer-predisposing syndrome. Also called: Neoplastic Syndromes, Hereditary; Tumor predisposition; Hereditary Cancer Syndrome; Hereditary neoplastic syndrome. Identifiers: Orphanet 140162, MedGen C0027672, MeSH D009386, MONDO:0015356.
Breast-ovarian cancer, familial, susceptibility to, 4. Identifiers: Orphanet 145, MedGen C3280345, MONDO:0013669, OMIM 614291.

gnomAD v4.1: 1 of 1,614,132 alleles (0.000062%); highest among the groups gnomAD compares: Non-Finnish European, 0.000085%; no homozygotes.

Submissions (2):

Labcorp Genetics (formerly Invitae), Labcorp
Classification: Uncertain significance for Breast-ovarian cancer, familial, susceptibility to, 4. Last evaluated: 2025-07-30. Review status: criteria provided, single submitter. Criteria: Invitae Variant Classification Sherloc (09022015). Collection method: clinical testing. Allele origin: germline.
Comment: This sequence change replaces asparagine, which is neutral and polar, with isoleucine, which is neutral and non-polar, at codon 138 of the RAD51D protein (p.Asn138Ile). This variant is present in population databases (no rsID available, gnomAD 0.0009%). This variant has not been reported in the literature in individuals affected with RAD51D-related conditions. ClinVar contains an entry for this variant (Variation ID: 1738136). Invitae Evidence Modeling of protein sequence and biophysical properties (such as structural, functional, and spatial information, amino acid conservation, physicochemical variation, residue mobility, and thermodynamic stability) indicates that this missense variant is not expected to disrupt RAD51D protein function with a negative predictive value of 80%. In summary, the available evidence is currently insufficient to determine the role of this variant in disease. Therefore, it has been classified as a Variant of Uncertain Significance.

Ambry Genetics
Classification: Uncertain significance for Hereditary cancer-predisposing syndrome. Last evaluated: 2024-03-17. Review status: criteria provided, single submitter. Criteria: Ambry Variant Classification Scheme 2023. Collection method: clinical testing. Allele origin: germline.
Comment: The p.N138I variant (also known as c.413A>T), located in coding exon 5 of the RAD51D gene, results from an A to T substitution at nucleotide position 413. The asparagine at codon 138 is replaced by isoleucine, an amino acid with dissimilar properties. This amino acid position is not well conserved in available vertebrate species. In addition, the in silico prediction for this alteration is inconclusive. Since supporting evidence is limited at this time, the clinical significance of this alteration remains unclear.

NM_002878.4(RAD51D):c.413A>T (p.Asn138Ile)

Genes: RAD51D (RAD51 paralog D; minus strand), RAD51L3-RFFL (RAD51L3-RFFL readthrough; minus strand). Cytogenetic location: 17q12.
Variant type: single nucleotide variant.
Coding change: c.413A>T on transcript NM_002878.4 (MANE Select); coding-DNA position 413, A replaced by T.
Protein change: p.Asn138Ile; replaces asparagine 138 with isoleucine.
Molecular consequence: missense variant. On other transcripts: non-coding transcript variant (1), intron variant (1).
Genome position (GRCh38, 1-based): chr17:35,107,055, T>A on the plus strand (A>T on the coding strand, the complement: RAD51D is on the minus strand). VCF-style: chr17-35107055-T-A. GRCh37 (hg19) VCF-style: chr17-33434074-T-A.
Other names: c.473A>T, p.Asn158Ile (NM_001142571.2); c.145-574A>T (NM_133629.3); short protein forms N138I, N158I.
Identifiers: ClinVar variation 1738136 (VCV001738136.6), dbSNP rs201676898, ClinGen allele CA399089272.